The following is an entry in ClinVar:

ClinVar aggregate classification (germline): Uncertain significance. Review status: criteria provided, multiple submitters, no conflicts (2 of 4 stars). 3 submissions from 3 submitters: Uncertain significance (3). Last evaluated 2024-09-16.

Conditions:
Developmental and epileptic encephalopathy, 60. Also called: EPILEPTIC ENCEPHALOPATHY, EARLY INFANTILE, 60. Identifiers: MedGen C4693663, MONDO:0033369, OMIM 617929.

Allele frequency attached by ClinVar (database versions not stated): ExAC 0.00004; gnomAD 0.00005; gnomAD exomes 0.00006; TOPMed 0.00007; ESP Exome Variant Server 0.00008.
gnomAD v4.1: 97 of 1,613,970 alleles (0.006%); highest among the groups gnomAD compares: Middle Eastern, 0.016%; no homozygotes.

Submissions (3):

Blueprint Genetics
Classification: Uncertain significance. Last evaluated: 2024-09-16. Review status: criteria provided, single submitter. Criteria: ACMG Guidelines, 2015. Collection method: clinical testing. Allele origin: germline.

Ambry Genetics
Classification: Uncertain significance. Last evaluated: 2023-03-02. Review status: criteria provided, single submitter. Criteria: Ambry Variant Classification Scheme 2023. Collection method: clinical testing. Allele origin: germline.

Baylor Genetics
Classification: Uncertain significance for Developmental and epileptic encephalopathy, 60. Last evaluated: 2019-03-27. Review status: criteria provided, single submitter. Criteria: ACMG Guidelines, 2015. Collection method: clinical testing. Allele origin: paternal. Affected: yes.
Comment: This variant was determined to be of uncertain significance according to ACMG Guidelines, 2015 [PMID:25741868].

NM_006586.5(CNPY3):c.199G>A (p.Gly67Ser)

Genes: CNPY3 (canopy FGF signaling regulator 3; plus strand), CNPY3-GNMT (CNPY3-GNMT readthrough; plus strand). Cytogenetic location: 6p21.1.
Variant type: single nucleotide variant.
Coding change: c.199G>A on transcript NM_006586.5 (MANE Select); coding-DNA position 199, G replaced by A.
Protein change: p.Gly67Ser; replaces glycine 67 with serine.
Molecular consequence: missense variant. On other transcripts: non-coding transcript variant (3), intron variant (4).
Genome position (GRCh38, 1-based): chr6:42,934,522, G>A. VCF-style: chr6-42934522-G-A. GRCh37 (hg19) VCF-style: chr6-42902260-G-A.
Other names: c.199G>A, p.Gly67Ser (NM_001318842.1, NM_001318847.2, NM_001318848.2); c.9-1052G>A (NM_001318845.1); c.8+4801G>A (NM_001318856.2); c.151+4801G>A (NM_001318857.2, NM_001318858.2); short protein forms G67S.
Identifiers: ClinVar variation 1028525 (VCV001028525.4), dbSNP rs375546787, ClinGen allele CA3810392.